The following is an entry in ClinVar:

NM_001162501.2(TNRC6B):c.1601G>A (p.Ser534Asn)

Gene: TNRC6B (trinucleotide repeat containing adaptor 6B; plus strand). Cytogenetic location: 22q13.1.
Variant type: single nucleotide variant.
Coding change: c.1601G>A on transcript NM_001162501.2 (MANE Select); coding-DNA position 1601, G replaced by A.
Protein change: p.Ser534Asn; replaces serine 534 with asparagine.
Molecular consequence: missense variant. On other transcripts: intron variant (1).
Genome position (GRCh38, 1-based): chr22:40,265,831, G>A. VCF-style: chr22-40265831-G-A. GRCh37 (hg19) VCF-style: chr22-40661835-G-A.
Other names: c.1601G>A, p.Ser534Asn (NM_015088.3); c.565+3658G>A (NM_001024843.2); short protein forms S534N.
Identifiers: ClinVar variation 2862613 (VCV002862613.3), dbSNP rs2517986737, ClinGen allele CA411630220.
Genomic context (GRCh38, chr22:40,265,831, plus strand): 5'-CGACTGGGTCTGATGAGTTGAAAATTGGAGAATGGAGTGGTCCAAACCAACCAAATTCTA[G>A]CACTGGAGCATGGGACAATCAAAAGGGCCACCCCCTCCCTGAAAACCAAGGCAATGCCCA-3'
Protein context (NP_001155973.1, residues 524-544): EWSGPNQPNS[Ser534Asn]TGAWDNQKGH

ClinVar aggregate classification (germline): Uncertain significance (1 of 4 stars; one submission).

Allele frequency attached by ClinVar (database versions not stated): gnomAD exomes 0.00001.
gnomAD v4.1: 7 of 1,614,012 alleles (0.00043%); highest among the groups gnomAD compares: Non-Finnish European, 0.00059%; no homozygotes.

Submission:

Labcorp Genetics (formerly Invitae), Labcorp
Classification: Uncertain significance. Last evaluated: 2023-08-03. Review status: criteria provided, single submitter. Criteria: Invitae Variant Classification Sherloc (09022015). Collection method: clinical testing. Allele origin: germline.
Comment: In summary, the available evidence is currently insufficient to determine the role of this variant in disease. Therefore, it has been classified as a Variant of Uncertain Significance. An algorithm developed to predict the effect of missense changes on protein structure and function (PolyPhen-2) suggests that this variant is likely to be disruptive. This missense change has been observed in individual(s) with TNRC6B-related conditions (Invitae). This variant is not present in population databases (gnomAD no frequency). This sequence change replaces serine, which is neutral and polar, with asparagine, which is neutral and polar, at codon 534 of the TNRC6B protein (p.Ser534Asn).